The following is an entry in ClinVar:

NM_199420.4(POLQ):c.6044A>G (p.His2015Arg)

Gene: POLQ (DNA polymerase theta; minus strand). Cytogenetic location: 3q13.33.
Variant type: single nucleotide variant.
Coding change: c.6044A>G on transcript NM_199420.4 (MANE Select); coding-DNA position 6044, A replaced by G.
Protein change: p.His2015Arg; replaces histidine 2015 with arginine.
Molecular consequence: missense variant.
Genome position (GRCh38, 1-based): chr3:121,481,739, T>C on the plus strand (A>G on the coding strand, the complement: POLQ is on the minus strand). VCF-style: chr3-121481739-T-C. GRCh37 (hg19) VCF-style: chr3-121200586-T-C.
Other names: short protein forms H2015R.
Identifiers: ClinVar variation 3422529 (VCV003422529.1).
Genomic context (GRCh38, chr3:121,481,739, plus strand): 5'-TTTAGCCCCAGGCTTTGAATCCCTTGGCTGGTCTCCATCCCTTCTAGGAGTGGAAGCTCA[T>C]GAGGAAGAAAACTGGTAACTATGCTATGAAGAGTCGGCTCCTGAGAATCTGGATCTAGTA-3'
Protein context (NP_955452.3, residues 2005-2025): LHSIVTSFLP[His2015Arg]ELPLLEGMET

ClinVar aggregate classification (germline): Uncertain significance (1 of 4 stars; one submission).

Submission:

Ambry Genetics
Classification: Uncertain significance. Last evaluated: 2024-09-02. Review status: criteria provided, single submitter. Criteria: Ambry Variant Classification Scheme 2023. Collection method: clinical testing. Allele origin: germline.
Comment: The p.H2015R variant (also known as c.6044A>G), located in coding exon 19 of the POLQ gene, results from an A to G substitution at nucleotide position 6044. The histidine at codon 2015 is replaced by arginine, an amino acid with highly similar properties. This amino acid position is conserved. In addition, this alteration is predicted to be tolerated by in silico analysis. Based on the available evidence, the clinical significance of this variant remains unclear.